The following is an entry in ClinVar:

ClinVar aggregate classification (germline): Conflicting classifications of pathogenicity. Review status: criteria provided, conflicting classifications (1 of 4 stars). 3 submissions from 3 submitters: Uncertain significance (2); Benign (1). Last evaluated 2025-10-26.

Conditions:
Hereditary cancer-predisposing syndrome. Also called: Neoplastic Syndromes, Hereditary; Tumor predisposition; Hereditary Cancer Syndrome; Hereditary neoplastic syndrome. Identifiers: Orphanet 140162, MedGen C0027672, MeSH D009386, MONDO:0015356.
Tuberous sclerosis 2 (TSC2). Identifiers: Orphanet 805, MedGen C1860707, MONDO:0013199, OMIM 613254.
Isolated focal cortical dysplasia type II (FCORD2). Also called: Focal cortical dysplasia type II; CORTICAL DYSPLASIA OF TAYLOR. Identifiers: Orphanet 268994, MedGen C1846385, MONDO:0011818, OMIM 607341, HP:0032051.
Lymphangiomyomatosis (LAM). Also called: Lymphangioleiomyomatosis; Lymphangioleiomyomatosis, somatic. Identifiers: Orphanet 538, MedGen C0751674, MONDO:0011705, OMIM 606690.

Allele frequency attached by ClinVar (database versions not stated): gnomAD exomes below 0.00001; gnomAD 0.00001.
gnomAD v4.1: 5 of 1,611,222 alleles (0.00031%); highest among the groups gnomAD compares: Non-Finnish European, 0.00034%; no homozygotes.

Submissions (3):

Labcorp Genetics (formerly Invitae), Labcorp
Classification: Benign for Tuberous sclerosis 2. Last evaluated: 2025-10-26. Review status: criteria provided, single submitter. Criteria: Invitae Variant Classification Sherloc (09022015). Collection method: clinical testing. Allele origin: germline.

Ambry Genetics
Classification: Uncertain significance for Hereditary cancer-predisposing syndrome. Last evaluated: 2025-03-17. Review status: criteria provided, single submitter. Criteria: Ambry Variant Classification Scheme 2023. Collection method: clinical testing. Allele origin: germline.
Comment: The p.A1322V variant (also known as c.3965C>T), located in coding exon 32 of the TSC2 gene, results from a C to T substitution at nucleotide position 3965. The alanine at codon 1322 is replaced by valine, an amino acid with similar properties. This amino acid position is not well conserved in available vertebrate species. In addition, the in silico prediction for this alteration is inconclusive. Based on the available evidence, the clinical significance of this variant remains unclear.

Department of Pathology and Laboratory Medicine, Sinai Health System
Classification: Uncertain significance for Lymphangiomyomatosis; Isolated focal cortical dysplasia type II; Tuberous sclerosis 2. Last evaluated: 2025-02-07. Review status: criteria provided, single submitter. Criteria: ACMG Guidelines, 2015. Collection method: clinical testing. Allele origin: germline.

NM_000548.5(TSC2):c.3965C>T (p.Ala1322Val)

Gene: TSC2 (TSC complex subunit 2; plus strand). Cytogenetic location: 16p13.3.
Variant type: single nucleotide variant.
Coding change: c.3965C>T on transcript NM_000548.5 (MANE Select); coding-DNA position 3965, C replaced by T.
Protein change: p.Ala1322Val; replaces alanine 1322 with valine.
Molecular consequence: missense variant.
Genome position (GRCh38, 1-based): chr16:2,083,776, C>T. VCF-style: chr16-2083776-C-T. GRCh37 (hg19) VCF-style: chr16-2133777-C-T.
Other names: c.3764C>T, p.Ala1255Val (NM_001077183.3); c.3896C>T, p.Ala1299Val (NM_001114382.3); c.3656C>T, p.Ala1219Val (NM_001318827.2); c.3620C>T, p.Ala1207Val (NM_001318829.2); c.3233C>T, p.Ala1078Val (NM_001318831.2); c.3797C>T, p.Ala1266Val (NM_001318832.2); c.3767C>T, p.Ala1256Val (NM_001363528.2); c.3833C>T, p.Ala1278Val (NM_001370404.1); and 1 more; short protein forms A1322V, A1078V, A1207V, A1255V, A1279V, A1219V, A1299V, A1256V.
Identifiers: ClinVar variation 535995 (VCV000535995.13), dbSNP rs1380402492, ClinGen allele CA394297498.